The following is an entry in ClinVar:

NM_000057.4(BLM):c.3160T>G (p.Phe1054Val)

Gene: BLM (BLM RecQ like helicase; plus strand). Cytogenetic location: 15q26.1.
Variant type: single nucleotide variant.
Coding change: c.3160T>G on transcript NM_000057.4 (MANE Select); coding-DNA position 3160, T replaced by G.
Protein change: p.Phe1054Val; replaces phenylalanine 1054 with valine.
Molecular consequence: missense variant.
Genome position (GRCh38, 1-based): chr15:90,794,307, T>G. VCF-style: chr15-90794307-T-G. GRCh37 (hg19) VCF-style: chr15-91337537-T-G.
Other names: c.3160T>G, p.Phe1054Val (NM_001287246.2, NM_001287247.2); c.2035T>G, p.Phe679Val (NM_001287248.2); short protein forms F1054V, F679V.
Identifiers: ClinVar variation 1438183 (VCV001438183.7), dbSNP rs2151187383, ClinGen allele CA393846970.

ClinVar aggregate classification (germline): Uncertain significance. Review status: criteria provided, multiple submitters, no conflicts (2 of 4 stars). 2 submissions from 2 submitters: Uncertain significance (2). Last evaluated 2025-07-31.

Conditions:
Bloom syndrome (BLM). Also called: Bloom-Torre-Machacek syndrome. Identifiers: Orphanet 125, MedGen C0005859, MONDO:0008876, OMIM 210900.
Hereditary cancer-predisposing syndrome. Also called: Neoplastic Syndromes, Hereditary; Hereditary Cancer Syndrome; Hereditary neoplastic syndrome; Tumor predisposition. Identifiers: Orphanet 140162, MedGen C0027672, MeSH D009386, MONDO:0015356.

Submissions (2):

Labcorp Genetics (formerly Invitae), Labcorp
Classification: Uncertain significance for Bloom syndrome. Last evaluated: 2025-07-31. Review status: criteria provided, single submitter. Criteria: Invitae Variant Classification Sherloc (09022015). Collection method: clinical testing. Allele origin: germline.
Comment: This sequence change replaces phenylalanine, which is neutral and non-polar, with valine, which is neutral and non-polar, at codon 1054 of the BLM protein (p.Phe1054Val). This variant is not present in population databases (gnomAD no frequency). This variant has not been reported in the literature in individuals affected with BLM-related conditions. ClinVar contains an entry for this variant (Variation ID: 1438183). Invitae Evidence Modeling of protein sequence and biophysical properties (such as structural, functional, and spatial information, amino acid conservation, physicochemical variation, residue mobility, and thermodynamic stability) has been performed for this missense variant. However, the output from this modeling did not meet the statistical confidence thresholds required to predict the impact of this variant on BLM protein function. In summary, the available evidence is currently insufficient to determine the role of this variant in disease. Therefore, it has been classified as a Variant of Uncertain Significance.

Ambry Genetics
Classification: Uncertain significance for Hereditary cancer-predisposing syndrome. Last evaluated: 2024-10-11. Review status: criteria provided, single submitter. Criteria: Ambry Variant Classification Scheme 2023. Collection method: clinical testing. Allele origin: germline.
Comment: The p.F1054V variant (also known as c.3160T>G), located in coding exon 15 of the BLM gene, results from a T to G substitution at nucleotide position 3160. The phenylalanine at codon 1054 is replaced by valine, an amino acid with highly similar properties. This amino acid position is conserved. In addition, this alteration is predicted to be deleterious by in silico analysis. Since supporting evidence is limited at this time, the clinical significance of this alteration remains unclear.